The following is an entry in ClinVar:

NM_005228.5(EGFR):c.3487C>T (p.His1163Tyr)

Gene: EGFR (epidermal growth factor receptor; plus strand). Cytogenetic location: 7p11.2.
Variant type: single nucleotide variant.
Coding change: c.3487C>T on transcript NM_005228.5 (MANE Select); coding-DNA position 3487, C replaced by T.
Protein change: p.His1163Tyr; replaces histidine 1163 with tyrosine.
Molecular consequence: missense variant.
Genome position (GRCh38, 1-based): chr7:55,205,471, C>T. VCF-style: chr7-55205471-C-T. GRCh37 (hg19) VCF-style: chr7-55273164-C-T.
Other names: c.3352C>T, p.His1118Tyr (NM_001346899.2); c.3328C>T, p.His1110Tyr (NM_001346900.2); c.2686C>T, p.His896Tyr (NM_001346941.2); c.3487C>T (NM_005228.3); short protein forms H1110Y, H896Y, H1118Y, H1163Y.
Identifiers: ClinVar variation 1376817 (VCV001376817.7), dbSNP rs1399981803, ClinGen allele CA367584727.

ClinVar aggregate classification (germline): Uncertain significance. Review status: criteria provided, multiple submitters, no conflicts (2 of 4 stars). 2 submissions from 2 submitters: Uncertain significance (2). Last evaluated 2025-09-16.

Conditions:
Hereditary cancer-predisposing syndrome. Also called: Neoplastic Syndromes, Hereditary; Hereditary Cancer Syndrome; Tumor predisposition; Hereditary neoplastic syndrome. Identifiers: Orphanet 140162, MedGen C0027672, MeSH D009386, MONDO:0015356.
EGFR-related lung cancer (EGFR). Identifiers: MedGen CN130014.

Allele frequency attached by ClinVar (database versions not stated): gnomAD exomes below 0.00001; gnomAD 0.00001; TOPMed 0.00001.

Submissions (2):

Labcorp Genetics (formerly Invitae), Labcorp
Classification: Uncertain significance for EGFR-related lung cancer. Last evaluated: 2025-09-16. Review status: criteria provided, single submitter. Criteria: Invitae Variant Classification Sherloc (09022015). Collection method: clinical testing. Allele origin: germline.
Comment: This sequence change replaces histidine, which is basic and polar, with tyrosine, which is neutral and polar, at codon 1163 of the EGFR protein (p.His1163Tyr). This variant is present in population databases (no rsID available, gnomAD 0.01%). This variant has not been reported in the literature in individuals affected with EGFR-related conditions. ClinVar contains an entry for this variant (Variation ID: 1376817). An algorithm developed to predict the effect of missense changes on protein structure and function (PolyPhen-2) suggests that this variant is likely to be disruptive. In summary, the available evidence is currently insufficient to determine the role of this variant in disease. Therefore, it has been classified as a Variant of Uncertain Significance.

Ambry Genetics
Classification: Uncertain significance for Hereditary cancer-predisposing syndrome. Last evaluated: 2025-02-26. Review status: criteria provided, single submitter. Criteria: Ambry Variant Classification Scheme 2023. Collection method: clinical testing. Allele origin: germline.
Comment: The p.H1163Y variant (also known as c.3487C>T), located in coding exon 28 of the EGFR gene, results from a C to T substitution at nucleotide position 3487. The histidine at codon 1163 is replaced by tyrosine, an amino acid with similar properties. This amino acid position is not well conserved in available vertebrate species. In addition, this alteration is predicted to be tolerated by in silico analysis. Based on the available evidence, the clinical significance of this variant remains unclear.